The following is an entry in ClinVar:

NM_001243279.3(ACSF3):c.1715A>C (p.His572Pro)

Gene: ACSF3 (acyl-CoA synthetase family member 3; plus strand). Cytogenetic location: 16q24.3.
Variant type: single nucleotide variant.
Coding change: c.1715A>C on transcript NM_001243279.3 (MANE Select); coding-DNA position 1715, A replaced by C.
Protein change: p.His572Pro; replaces histidine 572 with proline.
Molecular consequence: missense variant. On other transcripts: non-coding transcript variant (4).
Genome position (GRCh38, 1-based): chr16:89,154,191, A>C. VCF-style: chr16-89154191-A-C. GRCh37 (hg19) VCF-style: chr16-89220599-A-C.
Other names: c.1715A>C, p.His572Pro (NM_001127214.4, NM_174917.5); c.920A>C, p.His307Pro (NM_001284316.2); short protein forms H307P, H572P.
Identifiers: ClinVar variation 2198701 (VCV002198701.1), dbSNP rs1193534929, ClinGen allele CA397150901.

ClinVar aggregate classification (germline): Uncertain significance (1 of 4 stars; one submission).

Conditions:
Combined malonic and methylmalonic acidemia. Identifiers: Orphanet 289504, MedGen C3280314, MONDO:0013661, OMIM 614265.

Allele frequency attached by ClinVar (database versions not stated): TOPMed below 0.00001; gnomAD 0.00001; gnomAD exomes 0.00003.
gnomAD v4.1: 41 of 1,613,368 alleles (0.0025%); highest among the groups gnomAD compares: Non-Finnish European, 0.0035%; no homozygotes.

Submission:

Labcorp Genetics (formerly Invitae), Labcorp
Classification: Uncertain significance for Combined malonic and methylmalonic acidemia. Last evaluated: 2022-06-02. Review status: criteria provided, single submitter. Criteria: Invitae Variant Classification Sherloc (09022015). Collection method: clinical testing. Allele origin: germline.
Comment: This sequence change replaces histidine, which is basic and polar, with proline, which is neutral and non-polar, at codon 572 of the ACSF3 protein (p.His572Pro). This variant is present in population databases (no rsID available, gnomAD 0.0009%). This variant has not been reported in the literature in individuals affected with ACSF3-related conditions. Advanced modeling of protein sequence and biophysical properties (such as structural, functional, and spatial information, amino acid conservation, physicochemical variation, residue mobility, and thermodynamic stability) performed at Invitae indicates that this missense variant is expected to disrupt ACSF3 protein function. In summary, the available evidence is currently insufficient to determine the role of this variant in disease. Therefore, it has been classified as a Variant of Uncertain Significance.